The following is an entry in ClinVar:

ClinVar aggregate classification (germline): Likely benign (1 of 4 stars; one submission).

Conditions:
MYPN-related disorder. Also called: MYPN-related condition.

gnomAD v4.1: 9 of 1,614,194 alleles (0.00056%); highest among the groups gnomAD compares: South Asian, 0.0066%; no homozygotes.

Submission:

PreventionGenetics, part of Exact Sciences
Classification: Likely benign for MYPN-related condition. Last evaluated: 2026-02-05. Review status: criteria provided, single submitter. Criteria: ACMG Guidelines, 2015. Collection method: clinical testing. Allele origin: germline.
Comment: This variant is classified as likely benign based on ACMG/AMP sequence variant interpretation guidelines (Richards et al. 2015 PMID: 25741868, with internal and published modifications).

NM_032578.4(MYPN):c.111C>T (p.Pro37=)

Gene: MYPN (myopalladin; plus strand). Cytogenetic location: 10q21.3.
Variant type: single nucleotide variant.
Coding change: c.111C>T on transcript NM_032578.4 (MANE Select); coding-DNA position 111, C replaced by T.
Protein change: p.Pro37=; no amino-acid change (proline 37 retained).
Molecular consequence: synonymous variant. On other transcripts: 5 prime UTR variant (1), non-coding transcript variant (1).
Genome position (GRCh38, 1-based): chr10:68,121,549, C>T. VCF-style: chr10-68121549-C-T. GRCh37 (hg19) VCF-style: chr10-69881306-C-T.
Other names: c.111C>T, p.Pro37= (NM_001256267.2); c.-1012C>T (NM_001256268.2).
Identifiers: ClinVar variation 4993266 (VCV004993266.1).